The following is an entry in ClinVar:

ClinVar aggregate classification (germline): Uncertain significance (1 of 4 stars; one submission).

Submission:

GeneDx
Classification: Uncertain significance. Last evaluated: 2024-09-26. Review status: criteria provided, single submitter. Criteria: GeneDx Variant Classification Process June 2021. Collection method: clinical testing. Allele origin: germline. Affected: yes.
Comment: Not observed at significant frequency in large population cohorts (gnomAD); In silico analysis supports that this missense variant has a deleterious effect on protein structure/function; Has not been previously published as pathogenic or benign to our knowledge

NM_014236.4(GNPAT):c.725T>C (p.Leu242Pro)

Gene: GNPAT (glyceronephosphate O-acyltransferase; plus strand). Cytogenetic location: 1q42.2.
Variant type: single nucleotide variant.
Coding change: c.725T>C on transcript NM_014236.4 (MANE Select); coding-DNA position 725, T replaced by C.
Protein change: p.Leu242Pro; replaces leucine 242 with proline.
Molecular consequence: missense variant.
Genome position (GRCh38, 1-based): chr1:231,265,740, T>C. VCF-style: chr1-231265740-T-C. GRCh37 (hg19) VCF-style: chr1-231401486-T-C.
Other names: c.542T>C, p.Leu181Pro (NM_001316350.2); short protein forms L181P, L242P.
Identifiers: ClinVar variation 3774782 (VCV003774782.1).